The following is an entry in ClinVar:

ClinVar aggregate classification (germline): Uncertain significance (1 of 4 stars; one submission).

Allele frequency attached by ClinVar (database versions not stated): gnomAD exomes below 0.00001; ExAC 0.00001.

Submission:

Labcorp Genetics (formerly Invitae), Labcorp
Classification: Uncertain significance. Last evaluated: 2022-07-19. Review status: criteria provided, single submitter. Criteria: Invitae Variant Classification Sherloc (09022015). Collection method: clinical testing. Allele origin: germline.
Comment: This sequence change replaces leucine, which is neutral and non-polar, with valine, which is neutral and non-polar, at codon 25 of the RLBP1 protein (p.Leu25Val). This variant is present in population databases (rs749519675, gnomAD 0.006%). This variant has not been reported in the literature in individuals affected with RLBP1-related conditions. ClinVar contains an entry for this variant (Variation ID: 1054093). Algorithms developed to predict the effect of missense changes on protein structure and function are either unavailable or do not agree on the potential impact of this missense change (SIFT: "Deleterious"; PolyPhen-2: "Possibly Damaging"; Align-GVGD: "Class C0"). Algorithms developed to predict the effect of sequence changes on RNA splicing suggest that this variant may create or strengthen a splice site. In summary, the available evidence is currently insufficient to determine the role of this variant in disease. Therefore, it has been classified as a Variant of Uncertain Significance.

NM_000326.5(RLBP1):c.73C>G (p.Leu25Val)

Gene: RLBP1 (retinaldehyde binding protein 1; minus strand). Cytogenetic location: 15q26.1.
Variant type: single nucleotide variant.
Coding change: c.73C>G on transcript NM_000326.5 (MANE Select); coding-DNA position 73, C replaced by G.
Protein change: p.Leu25Val; replaces leucine 25 with valine.
Molecular consequence: missense variant.
Genome position (GRCh38, 1-based): chr15:89,218,633, G>C on the plus strand (C>G on the coding strand, the complement: RLBP1 is on the minus strand). VCF-style: chr15-89218633-G-C. GRCh37 (hg19) VCF-style: chr15-89761864-G-C.
Other names: short protein forms L25V.
Identifiers: ClinVar variation 1054093 (VCV001054093.7), dbSNP rs749519675, ClinGen allele CA7722400.